The following is an entry in ClinVar:

ClinVar aggregate classification (germline): Likely pathogenic (1 of 4 stars; one submission).

Conditions:
UBE3A-related disorder. Also called: UBE3A-related condition.

Submission:

PreventionGenetics, part of Exact Sciences
Classification: Likely pathogenic for UBE3A-related condition. Last evaluated: 2023-06-14. Review status: criteria provided, single submitter. Criteria: ACMG Guidelines, 2015. Collection method: clinical testing. Allele origin: germline.
Comment: The UBE3A c.230C>A variant is predicted to result in premature protein termination (p.Ser77*). To our knowledge, this variant has not been reported in the literature or in a large population database, indicating this variant is rare. Nonsense variants in UBE3A are expected to be pathogenic. This variant is interpreted as likely pathogenic.

NM_130839.5(UBE3A):c.290C>A (p.Ser97Ter)

Genes: SNHG14 (small nucleolar RNA host gene 14; plus strand), UBE3A (ubiquitin protein ligase E3A; minus strand). Cytogenetic location: 15q11.2.
Variant type: single nucleotide variant.
Coding change: c.290C>A on transcript NM_130839.5 (MANE Select); coding-DNA position 290, C replaced by A.
Protein change: p.Ser97Ter; replaces serine 97 with a stop codon.
Molecular consequence: nonsense. On other transcripts: non-coding transcript variant (1).
Genome position (GRCh38, 1-based): chr15:25,375,536, G>T on the plus strand (C>A on the coding strand, the complement: UBE3A is on the minus strand). VCF-style: chr15-25375536-G-T. GRCh37 (hg19) VCF-style: chr15-25620683-G-T.
Other names: c.230C>A, p.Ser77Ter (NM_001354526.1, NM_001354539.2, NM_001354540.2 and 18 more transcripts); c.290C>A, p.Ser97Ter (NM_001354538.2, NM_001354545.2, NM_001354550.2 and 1 more transcripts); c.113C>A, p.Ser38Ter (NM_001354546.2); c.299C>A, p.Ser100Ter (NM_000462.5); short protein forms S100*, S38*, S77*, S97*.
Identifiers: ClinVar variation 2632624 (VCV002632624.1), dbSNP rs772110423, ClinGen allele CA391356204.